The following is an entry in ClinVar:

ClinVar aggregate classification (germline): Conflicting classifications of pathogenicity. Review status: criteria provided, conflicting classifications (1 of 4 stars). 2 submissions from 2 submitters: Likely pathogenic (1); Uncertain significance (1). Last evaluated 2020-10-24.

Conditions:
Familial X-linked hypophosphatemic vitamin D refractory rickets (XLHRD). Also called: HYPOPHOSPHATEMIC VITAMIN D-RESISTANT RICKETS; Hypophosphatemia, vitamin D-resistant rickets; Vitamin D-resistant rickets, X-linked; X-Linked Hypophosphatemia; Hypophosphatemic Rickets, X-Linked Dominant. Identifiers: Orphanet 89936, MedGen C0733682, MONDO:0010619, OMIM 307800.

Submissions (2):

Labcorp Genetics (formerly Invitae), Labcorp
Classification: Uncertain significance. Last evaluated: 2020-10-24. Review status: criteria provided, single submitter. Criteria: Invitae Variant Classification Sherloc (09022015). Collection method: clinical testing. Allele origin: germline.
Comment: This variant is not present in population databases (ExAC no frequency). This variant has been observed in individual(s) with hypophosphatemia (Invitae). ClinVar contains an entry for this variant (Variation ID: 803772). This variant, c.2005_2016del, results in the deletion of 4 amino acid(s) of the PHEX protein (p.Glu669_Leu672del), but otherwise preserves the integrity of the reading frame. In summary, the available evidence is currently insufficient to determine the role of this variant in disease. Therefore, it has been classified as a Variant of Uncertain Significance. Experimental studies and prediction algorithms are not available or were not evaluated, and the functional significance of this variant is currently unknown.

Mendelics
Classification: Likely pathogenic for Familial X-linked hypophosphatemic vitamin D refractory rickets. Last evaluated: 2019-05-28. Review status: criteria provided, single submitter. Criteria: Mendelics Assertion Criteria 2017. Collection method: clinical testing. Allele origin: unknown.

NM_000444.6(PHEX):c.2005_2016del (p.Glu669_Leu672del)

Genes: PHEX (phosphate regulating endopeptidase X-linked; plus strand), PTCHD1-AS (PTCHD1 and PHEX antisense RNA; minus strand). Cytogenetic location: Xp22.11.
Variant type: Deletion.
Coding change: c.2005_2016del on transcript NM_000444.6 (MANE Select); coding-DNA positions 2005 to 2016, 12 bases deleted (GAGGAGCCTCTT).
Protein change: p.Glu669_Leu672del.
Molecular consequence: inframe deletion. On other transcripts: non-coding transcript variant (1).
Genome position (GRCh38, 1-based): chrX:22,227,546-22,227,557, GAGGAGCCTCTT deleted; deleting any 12 consecutive bases within chrX:22,227,543-22,227,557 gives the same sequence; the c. name uses the placement nearest the transcript's 3' end. VCF-style (leftmost placement, unchanged base first): chrX-22227542-ACTTGAGGAGCCT-A. GRCh37 (hg19) VCF-style: chrX-22245659-ACTTGAGGAGCCT-A.
Other names: c.2005_2016del, p.Glu669_Leu672del (NM_001282754.2).
Identifiers: ClinVar variation 803772 (VCV000803772.9), dbSNP rs1602412679, ClinGen allele CA915950787.